The following is an entry in ClinVar:

NM_017946.4(FKBP14):c.182C>T (p.Ser61Phe)

Genes: FKBP14 (FKBP prolyl isomerase 14; minus strand), FKBP14-AS1 (FKBP14 antisense RNA 1; plus strand). Cytogenetic location: 7p14.3.
Variant type: single nucleotide variant.
Coding change: c.182C>T on transcript NM_017946.4 (MANE Select); coding-DNA position 182, C replaced by T.
Protein change: p.Ser61Phe; replaces serine 61 with phenylalanine.
Molecular consequence: missense variant. On other transcripts: non-coding transcript variant (2).
Genome position (GRCh38, 1-based): chr7:30,026,327, G>A on the plus strand (C>T on the coding strand, the complement: FKBP14 is on the minus strand). VCF-style: chr7-30026327-G-A. GRCh37 (hg19) VCF-style: chr7-30065943-G-A.
Other names: short protein forms S61F.
Identifiers: ClinVar variation 650004 (VCV000650004.9), dbSNP rs1583738133, ClinGen allele CA367117720.
Genomic context (GRCh38, chr7:30,026,327, plus strand): 5'-GTGGATTCTTAATTACTATTTTACCTGCGGGGCATAATTACTTACGTGGAGTGAAATAAG[G>A]AGCCGTCCTTTTCTAAGTAGCCTTCATAGTGGACCAACATCAAATCCCCTCCTTTGGTCT-3'
Protein context (NP_060416.1, residues 51-71): HYEGYLEKDG[Ser61Phe]LFHSTHKHNN

ClinVar aggregate classification (germline): Uncertain significance (1 of 4 stars; one submission).

Conditions:
Ehlers-Danlos syndrome, kyphoscoliotic type, 2. Also called: Ehlers-Danlos syndrome with progressive kyphoscoliosis, myopathy, and hearing loss; Ehlers-Danlos syndrome, kyphoscoliotic and deafness type; FKBP14-Kyphoscoliotic Ehlers-Danlos Syndrome. Identifiers: Orphanet 300179, MedGen C3281160, MONDO:0013800, OMIM 614557.

Submission:

Labcorp Genetics (formerly Invitae), Labcorp
Classification: Uncertain significance for Ehlers-Danlos syndrome, kyphoscoliotic type, 2. Last evaluated: 2022-11-29. Review status: criteria provided, single submitter. Criteria: Invitae Variant Classification Sherloc (09022015). Collection method: clinical testing. Allele origin: germline.
Comment: This sequence change replaces serine, which is neutral and polar, with phenylalanine, which is neutral and non-polar, at codon 61 of the FKBP14 protein (p.Ser61Phe). This variant is not present in population databases (gnomAD no frequency). This variant has not been reported in the literature in individuals affected with FKBP14-related conditions. ClinVar contains an entry for this variant (Variation ID: 650004). Algorithms developed to predict the effect of missense changes on protein structure and function are either unavailable or do not agree on the potential impact of this missense change (SIFT: "Deleterious"; PolyPhen-2: "Possibly Damaging"; Align-GVGD: "Class C0"). In summary, the available evidence is currently insufficient to determine the role of this variant in disease. Therefore, it has been classified as a Variant of Uncertain Significance.